The following is an entry in ClinVar:

NM_004360.5(CDH1):c.2354A>G (p.Asn785Ser)

Gene: CDH1 (cadherin 1; plus strand). Cytogenetic location: 16q22.1.
Variant type: single nucleotide variant.
Coding change: c.2354A>G on transcript NM_004360.5 (MANE Select); coding-DNA position 2354, A replaced by G.
Protein change: p.Asn785Ser; replaces asparagine 785 with serine.
Molecular consequence: missense variant.
Genome position (GRCh38, 1-based): chr16:68,829,712, A>G. VCF-style: chr16-68829712-A-G. GRCh37 (hg19) VCF-style: chr16-68863615-A-G.
Other names: c.2171A>G, p.Asn724Ser (NM_001317184.2); c.806A>G, p.Asn269Ser (NM_001317185.2); c.389A>G, p.Asn130Ser (NM_001317186.2); short protein forms N269S, N724S, N785S, N130S.
Identifiers: ClinVar variation 1423040 (VCV001423040.8), dbSNP rs2152142322, ClinGen allele CA396471014.

ClinVar aggregate classification (germline): Uncertain significance (1 of 4 stars; one submission).

Conditions:
Hereditary diffuse gastric adenocarcinoma (HDGC). Also called: DIFFUSE GASTRIC AND LOBULAR BREAST CANCER SYNDROME. Identifiers: Orphanet 26106, MedGen C1708349, MONDO:0007648, OMIM 137215.

Submission:

Labcorp Genetics (formerly Invitae), Labcorp
Classification: Uncertain significance for Hereditary diffuse gastric adenocarcinoma. Last evaluated: 2021-04-22. Review status: criteria provided, single submitter. Criteria: Invitae Variant Classification Sherloc (09022015). Collection method: clinical testing. Allele origin: germline.
Comment: In summary, the available evidence is currently insufficient to determine the role of this variant in disease. Therefore, it has been classified as a Variant of Uncertain Significance. Algorithms developed to predict the effect of missense changes on protein structure and function are either unavailable or do not agree on the potential impact of this missense change (SIFT: "Deleterious"; PolyPhen-2: "Probably Damaging"; Align-GVGD: "Class C0"). This variant has not been reported in the literature in individuals with CDH1-related conditions. This variant is not present in population databases (ExAC no frequency). This sequence change replaces asparagine with serine at codon 785 of the CDH1 protein (p.Asn785Ser). The asparagine residue is highly conserved and there is a small physicochemical difference between asparagine and serine.